The following is an entry in ClinVar:

NM_000246.4(CIITA):c.1556C>T (p.Pro519Leu)

Gene: CIITA (class II major histocompatibility complex transactivator; plus strand). Cytogenetic location: 16p13.13.
Variant type: single nucleotide variant.
Coding change: c.1556C>T on transcript NM_000246.4 (MANE Select); coding-DNA position 1556, C replaced by T.
Protein change: p.Pro519Leu; replaces proline 519 with leucine.
Molecular consequence: missense variant. On other transcripts: intron variant (1).
Genome position (GRCh38, 1-based): chr16:10,907,048, C>T. VCF-style: chr16-10907048-C-T. GRCh37 (hg19) VCF-style: chr16-11000905-C-T.
Other names: c.1559C>T, p.Pro520Leu (NM_001286402.1, NM_001379332.1); c.1412C>T, p.Pro471Leu (NM_001379330.1); c.1409C>T, p.Pro470Leu (NM_001379331.1); c.1556C>T, p.Pro519Leu (NM_001379333.1); c.1487C>T, p.Pro496Leu (NM_001379334.1); c.860-1935C>T (NM_001286403.2); short protein forms P519L, P520L, P470L, P471L, P496L.
Identifiers: ClinVar variation 575798 (VCV000575798.11), dbSNP rs141006925, ClinGen allele CA7900167.
Genomic context (GRCh38, chr16:10,907,048, plus strand): 5'-ACGGCTTCGAGGAGCTGGAAGCGCAAGATGGCTTCCTGCACAGCACGTGCGGACCGGCAC[C>T]GGCGGAGCCCTGCTCCCTCCGGGGGCTGCTGGCCGGCCTTTTCCAGAAGAAGCTGCTCCG-3'
Protein context (NP_000237.2, residues 509-529): GFLHSTCGPA[Pro519Leu]AEPCSLRGLL

ClinVar aggregate classification (germline): Uncertain significance. Review status: criteria provided, multiple submitters, no conflicts (2 of 4 stars). 5 submissions from 5 submitters: Uncertain significance (4). 1 of the submissions does not count toward it. Last evaluated 2024-05-29.

Conditions:
Rheumatoid arthritis (RA). Also called: RHEUMATOID ARTHRITIS, SUSCEPTIBILITY TO. Identifiers: MedGen C0003873, MONDO:0008383, OMIM 180300, HP:0001370.
MHC class II deficiency. Also called: BLS, TYPE II; Bare lymphocyte syndrome 2. Identifiers: Orphanet 572, MedGen C5447452, MONDO:0008855.

Allele frequency attached by ClinVar (database versions not stated): gnomAD 0.00004 and 0.00005; TOPMed 0.00005; ESP Exome Variant Server 0.00008; ExAC 0.00009; gnomAD exomes 0.00009.
gnomAD v4.1: 140 of 1,607,270 alleles (0.0087%); highest among the groups gnomAD compares: Non-Finnish European, 0.0099%; no homozygotes.

Submissions (5):

Blueprint Genetics
Classification: Uncertain significance. Last evaluated: 2024-05-29. Review status: criteria provided, single submitter. Criteria: ACMG Guidelines, 2015. Collection method: clinical testing. Allele origin: germline.

Labcorp Genetics (formerly Invitae), Labcorp
Classification: Uncertain significance for MHC class II deficiency. Last evaluated: 2022-09-27. Review status: criteria provided, single submitter. Criteria: Invitae Variant Classification Sherloc (09022015). Collection method: clinical testing. Allele origin: germline.
Comment: This sequence change replaces proline, which is neutral and non-polar, with leucine, which is neutral and non-polar, at codon 519 of the CIITA protein (p.Pro519Leu). This variant is present in population databases (rs141006925, gnomAD 0.01%). This variant has not been reported in the literature in individuals affected with CIITA-related conditions. ClinVar contains an entry for this variant (Variation ID: 575798). Algorithms developed to predict the effect of missense changes on protein structure and function output the following: SIFT: "Tolerated"; PolyPhen-2: "Benign"; Align-GVGD: "Class C0". The leucine amino acid residue is found in multiple mammalian species, which suggests that this missense change does not adversely affect protein function. In summary, the available evidence is currently insufficient to determine the role of this variant in disease. Therefore, it has been classified as a Variant of Uncertain Significance.

Fulgent Genetics
Classification: Uncertain significance for Rheumatoid arthritis; MHC class II deficiency 1. Last evaluated: 2022-05-13. Review status: criteria provided, single submitter. Criteria: ACMG Guidelines, 2015. Collection method: clinical testing. Allele origin: unknown.

Illumina Laboratory Services, Illumina
Classification: Uncertain significance for MHC class II deficiency 1. Last evaluated: 2018-01-13. Review status: criteria provided, single submitter. Criteria: ICSL Variant Classification Criteria 13 December 2019. Collection method: clinical testing. Allele origin: germline.

Natera, Inc.
Classification: Uncertain significance for Bare lymphocyte syndrome type II. Last evaluated: 2020-04-24. Review status: no assertion criteria provided. Collection method: clinical testing. Allele origin: germline. Not counted in ClinVar's aggregate classification.